The following is an entry in ClinVar:

NM_021146.4(ANGPTL7):c.222G>C (p.Trp74Cys)

Genes: ANGPTL7 (angiopoietin like 7; plus strand), MTOR (mechanistic target of rapamycin kinase; minus strand). Cytogenetic location: 1p36.22.
Variant type: single nucleotide variant.
Coding change: c.222G>C on transcript NM_021146.4 (MANE Select); coding-DNA position 222, G replaced by C.
Protein change: p.Trp74Cys; replaces tryptophan 74 with cysteine.
Molecular consequence: missense variant. On other transcripts: intron variant (3).
Genome position (GRCh38, 1-based): chr1:11,189,801, G>C. VCF-style: chr1-11189801-G-C. GRCh37 (hg19) VCF-style: chr1-11249858-G-C.
Other names: c.3005+9457C>G (NM_001386501.1); c.4253+9457C>G (NM_004958.4, NM_001386500.1); short protein forms W74C.
Identifiers: ClinVar variation 3538482 (VCV003538482.3).

ClinVar aggregate classification (germline): Conflicting classifications of pathogenicity. Review status: criteria provided, conflicting classifications (1 of 4 stars). 2 submissions from 2 submitters: Uncertain significance (1); Likely benign (1). Last evaluated 2026-05-01.

gnomAD v4.1: 28 of 1,614,078 alleles (0.0017%); highest among the groups gnomAD compares: Admixed American, 0.022%; no homozygotes.

Submissions (2):

CeGaT Center for Human Genetics Tuebingen
Classification: Likely benign. Last evaluated: 2026-05-01. Review status: criteria provided, single submitter. Criteria: CeGaT Center For Human Genetics Tuebingen Variant Classification Criteria Version 2. Collection method: clinical testing. Allele origin: germline. Affected: yes. Observed: 1 variant allele.
Comment: ANGPTL7: BP4, BS2

Ambry Genetics
Classification: Uncertain significance. Last evaluated: 2024-12-07. Review status: criteria provided, single submitter. Criteria: Ambry Variant Classification Scheme 2023. Collection method: clinical testing. Allele origin: germline.